The following is an entry in ClinVar:

ClinVar aggregate classification (germline): Uncertain significance (1 of 4 stars; one submission).

Conditions:
Cardiovascular phenotype. Identifiers: MedGen CN230736.

gnomAD v4.1: 1 of 1,613,800 alleles (0.000062%); highest among the groups gnomAD compares: East Asian, 0.0022%; no homozygotes.

Submission:

Ambry Genetics
Classification: Uncertain significance for Cardiovascular phenotype. Last evaluated: 2025-06-28. Review status: criteria provided, single submitter. Criteria: Ambry Variant Classification Scheme 2023. Collection method: clinical testing. Allele origin: germline.
Comment: The p.K709R variant (also known as c.2126A>G), located in coding exon 16 of the MYH6 gene, results from an A to G substitution at nucleotide position 2126. The lysine at codon 709 is replaced by arginine, an amino acid with highly similar properties. This amino acid position is conserved. In addition, the in silico prediction for this alteration is inconclusive. Based on the available evidence, the clinical significance of this variant remains unclear.

NM_002471.4(MYH6):c.2126A>G (p.Lys709Arg)

Gene: MYH6 (myosin heavy chain 6; minus strand). Cytogenetic location: 14q11.2.
Variant type: single nucleotide variant.
Coding change: c.2126A>G on transcript NM_002471.4 (MANE Select); coding-DNA position 2126, A replaced by G.
Protein change: p.Lys709Arg; replaces lysine 709 with arginine.
Molecular consequence: missense variant.
Genome position (GRCh38, 1-based): chr14:23,397,005, T>C on the plus strand (A>G on the coding strand, the complement: MYH6 is on the minus strand). VCF-style: chr14-23397005-T-C. GRCh37 (hg19) VCF-style: chr14-23866214-T-C.
Other names: short protein forms K709R.
Identifiers: ClinVar variation 4114834 (VCV004114834.1).
Genomic context (GRCh38, chr14:23,397,005, plus strand): 5'-GGGCACCCTCATACCCACCTCTGCCGGAAGTCCCCGTAGAGGATGCGGTTGGGGAAGCCC[T>C]TCCTGCAGATGCGGATGCCCTCCAGCACGCCATTGCAGCGCAGCTGGTGCATGACCAGGG-3'
Protein context (NP_002462.2, residues 699-719): GVLEGIRICR[Lys709Arg]GFPNRILYGD